The following is an entry in ClinVar:

NM_001171.6(ABCC6):c.3398G>C (p.Gly1133Ala)

Gene: ABCC6 (ATP binding cassette subfamily C member 6; minus strand). Cytogenetic location: 16p13.11.
Variant type: single nucleotide variant.
Coding change: c.3398G>C on transcript NM_001171.6 (MANE Select); coding-DNA position 3398, G replaced by C.
Protein change: p.Gly1133Ala; replaces glycine 1133 with alanine.
Molecular consequence: missense variant.
Genome position (GRCh38, 1-based): chr16:16,163,101, C>G on the plus strand (G>C on the coding strand, the complement: ABCC6 is on the minus strand). VCF-style: chr16-16163101-C-G. GRCh37 (hg19) VCF-style: chr16-16256958-C-G.
Other names: c.3056G>C, p.Gly1019Ala (NM_001351800.1); short protein forms G1133A, G1019A.
Identifiers: ClinVar variation 265020 (VCV000265020.5), dbSNP rs63750473, ClinGen allele CA10588595.

ClinVar aggregate classification (germline): Conflicting classifications of pathogenicity. Review status: criteria provided, conflicting classifications (1 of 4 stars). 3 submissions from 3 submitters: Likely pathogenic (2); Uncertain significance (1). Last evaluated 2021-03-01.

Conditions:
Autosomal recessive inherited pseudoxanthoma elasticum (PXE). Identifiers: Orphanet 758, MedGen CN032334, MONDO:0009925, OMIM 264800.

Submissions (3):

PXE International
Classification: Likely pathogenic for Autosomal recessive inherited pseudoxanthoma elasticum. Last evaluated: 2021-03-01. Review status: criteria provided, single submitter. Criteria: Submitter's publication. Collection method: research. Allele origin: germline. Inheritance: Autosomal recessive inheritance. Affected: yes. Observed: 1 variant allele.

Blueprint Genetics
Classification: Uncertain significance. Last evaluated: 2020-11-26. Review status: criteria provided, single submitter. Criteria: ACMG Guidelines, 2015. Collection method: clinical testing. Allele origin: germline.

GeneDx
Classification: Likely pathogenic. Last evaluated: 2015-03-17. Review status: criteria provided, single submitter. Criteria: GeneDx Variant Classification (06012015). Collection method: clinical testing. Allele origin: germline. Affected: yes.
Comment: The G1133A missense change has been reported previously in association with pseudoxanthoma elasticum (PXE) (Pfendner et al., 2007). This variant was not observed in approximately 6,500 individuals of European and African American ancestry in the NHLBI Exome Sequencing Project, indicating it is not a common benign variant in these populations. The G1133A variant is a conservative amino acid substitution, which is not likely to impact secondary protein structure as these residues share similar properties. However, this substitution occurs at a position that is conserved across vertebrate species and in silico analyses predict this variant is probably damaging to the protein structure/function. A missense pathogenic variant in this same residue (G1133C), as well as in nearby residues (M1127T, T1130M, R1138W, R1138P, R1128Q, A1139T) have been reported in the Human Gene Mutation Database in association with pseudoxanthoma elasticum (PXE) (Stenson et al., 2014), supporting the functional importance of this region of the protein. Therefore, this variant is a strong candidate for a pathogenic variant.

Literature cited by the submitters: PubMed 32873932 (cited by PXE International).